The following is an entry in ClinVar:

ClinVar aggregate classification (germline): Uncertain significance. Review status: criteria provided, multiple submitters, no conflicts (2 of 4 stars). 2 submissions from 2 submitters: Uncertain significance (2). Last evaluated 2025-10-27.

Conditions:
Long QT syndrome (LQTS). Identifiers: MedGen C0023976, MeSH D008133, MONDO:0002442. Disease mechanism: loss of function. Inheritance: Various modes of inheritance.
Cardiovascular phenotype. Identifiers: MedGen CN230736.

Allele frequency attached by ClinVar (database versions not stated): gnomAD exomes 0.00001; TOPMed 0.00001.
gnomAD v4.1: 10 of 1,614,150 alleles (0.00062%); highest among the groups gnomAD compares: East Asian, 0.0067%; no homozygotes.

Submissions (2):

Ambry Genetics
Classification: Uncertain significance for Cardiovascular phenotype. Last evaluated: 2025-10-27. Review status: criteria provided, single submitter. Criteria: Ambry Variant Classification Scheme 2023. Collection method: clinical testing. Allele origin: germline.
Comment: The p.R3377Q variant (also known as c.10130G>A), located in coding exon 41 of the AKAP9 gene, results from a G to A substitution at nucleotide position 10130. The arginine at codon 3377 is replaced by glutamine, an amino acid with highly similar properties. This amino acid position is conserved. In addition, this alteration is predicted to be tolerated by in silico analysis. Since supporting evidence is limited at this time, the clinical significance of this alteration remains unclear.

Labcorp Genetics (formerly Invitae), Labcorp
Classification: Uncertain significance for Long QT syndrome. Last evaluated: 2024-06-08. Review status: criteria provided, single submitter. Criteria: Invitae Variant Classification Sherloc (09022015). Collection method: clinical testing. Allele origin: germline.
Comment: This sequence change replaces arginine, which is basic and polar, with glutamine, which is neutral and polar, at codon 3377 of the AKAP9 protein (p.Arg3377Gln). This variant is not present in population databases (gnomAD no frequency). This variant has not been reported in the literature in individuals affected with AKAP9-related conditions. ClinVar contains an entry for this variant (Variation ID: 1735161). An algorithm developed to predict the effect of missense changes on protein structure and function (PolyPhen-2) suggests that this variant is likely to be disruptive. In summary, the available evidence is currently insufficient to determine the role of this variant in disease. Therefore, it has been classified as a Variant of Uncertain Significance.

NM_005751.5(AKAP9):c.10130G>A (p.Arg3377Gln)

Gene: AKAP9 (A-kinase anchoring protein 9; plus strand). Cytogenetic location: 7q21.2.
Variant type: single nucleotide variant.
Coding change: c.10130G>A on transcript NM_005751.5 (MANE Select); coding-DNA position 10130, G replaced by A.
Protein change: p.Arg3377Gln; replaces arginine 3377 with glutamine.
Molecular consequence: missense variant.
Genome position (GRCh38, 1-based): chr7:92,097,089, G>A. VCF-style: chr7-92097089-G-A. GRCh37 (hg19) VCF-style: chr7-91726403-G-A.
Other names: c.4775G>A, p.Arg1592Gln (NM_001379277.1); c.10106G>A, p.Arg3369Gln (NM_147185.3); short protein forms R3369Q, R1592Q, R3377Q.
Identifiers: ClinVar variation 1735161 (VCV001735161.5), dbSNP rs1816733498, ClinGen allele CA368153824.
Genomic context (GRCh38, chr7:92,097,089, plus strand): 5'-GTCGCATAGTAGAATTGTTAAATGAGACTGAAAAATATAAACTGGATTCTTTGCAAACAC[G>A]ACAGCAAATGGAAAAAGATAGGCAGGTTCACAGGAAAACACTGCAGACAGAACAGGAGGC-3'
Protein context (NP_005742.4, residues 3367-3387): EKYKLDSLQT[Arg3377Gln]QQMEKDRQVH